The following is an entry in ClinVar:

NM_000088.4(COL1A1):c.146_147del (p.Asp49fs)

Gene: COL1A1 (collagen type I alpha 1 chain; minus strand). Cytogenetic location: 17q21.33.
Variant type: Deletion.
Coding change: c.146_147del on transcript NM_000088.4 (MANE Select); coding-DNA positions 146 to 147, 2 bases deleted (AC; older notation c.146_147delAC).
Protein change: p.Asp49fs; shifts the reading frame from aspartic acid 49.
Molecular consequence: frameshift variant.
Genome position (GRCh38, 1-based): chr17:50,199,904-50,199,905, GT deleted on the plus strand (AC on the coding strand, the reverse complement: COL1A1 is on the minus strand). VCF-style (leftmost placement, unchanged base first): chr17-50199903-GGT-G. GRCh37 (hg19) VCF-style: chr17-48277264-GGT-G.
Other names: short protein forms D49fs.
Identifiers: ClinVar variation 1460293 (VCV001460293.6), dbSNP rs2144594577, ClinGen allele CA2573154246.

ClinVar aggregate classification (germline): Pathogenic (1 of 4 stars; one submission).

Conditions:
Osteogenesis imperfecta type I (OI1). Also called: Lobstein disease; Osteogenesis imperfecta type 1; Lobstein's Disease; Classic Non-deforming Osteogenesis Imperfecta with Blue Sclerae; OI, TYPE I; OSTEOGENESIS IMPERFECTA TARDA. Identifiers: Orphanet 216796, Orphanet 666, MedGen C0023931, MONDO:0008146, OMIM 166200. Disease mechanism: loss of function.

Submission:

Labcorp Genetics (formerly Invitae), Labcorp
Classification: Pathogenic for Osteogenesis imperfecta type I. Last evaluated: 2020-12-28. Review status: criteria provided, single submitter. Criteria: Invitae Variant Classification Sherloc (09022015). Collection method: clinical testing. Allele origin: germline.
Comment: This variant has not been reported in the literature in individuals with COL1A1-related conditions. For these reasons, this variant has been classified as Pathogenic. This variant is not present in population databases (ExAC no frequency). This sequence change creates a premature translational stop signal (p.Asp49Alafs*23) in the COL1A1 gene. It is expected to result in an absent or disrupted protein product. Loss-of-function variants in COL1A1 are known to be pathogenic (PMID: 7942841, 9295084, 9443882).

Literature cited by the submitters: PubMed 7942841; PubMed 9295084; PubMed 9443882.